The following is an entry in ClinVar:

ClinVar aggregate classification (germline): Uncertain significance. Review status: criteria provided, multiple submitters, no conflicts (2 of 4 stars). 2 submissions from 2 submitters: Uncertain significance (2). Last evaluated 2025-02-16.

Conditions:
Hereditary cancer-predisposing syndrome. Also called: Hereditary neoplastic syndrome; Neoplastic Syndromes, Hereditary; Hereditary Cancer Syndrome; Tumor predisposition. Identifiers: Orphanet 140162, MedGen C0027672, MeSH D009386, MONDO:0015356.
Multiple endocrine neoplasia type 4. Also called: MULTIPLE ENDOCRINE NEOPLASIA, TYPE IV. Identifiers: Orphanet 276152, MedGen C1970712, MONDO:0012552, OMIM 610755.

Allele frequency attached by ClinVar (database versions not stated): gnomAD exomes 0.00001.
gnomAD v4.1: 4 of 1,612,946 alleles (0.00025%); highest among the groups gnomAD compares: Non-Finnish European, 0.00034%; no homozygotes.

Submissions (2):

Ambry Genetics
Classification: Uncertain significance for Hereditary cancer-predisposing syndrome. Last evaluated: 2025-02-16. Review status: criteria provided, single submitter. Criteria: Ambry Variant Classification Scheme 2023. Collection method: clinical testing. Allele origin: germline.
Comment: The p.S2L variant (also known as c.5C>T), located in coding exon 1 of the CDKN1B gene, results from a C to T substitution at nucleotide position 5. The serine at codon 2 is replaced by leucine, an amino acid with dissimilar properties. This amino acid position is highly conserved in available vertebrate species. In addition, the in silico prediction for this alteration is inconclusive. Since supporting evidence is limited at this time, the clinical significance of this alteration remains unclear.

Labcorp Genetics (formerly Invitae), Labcorp
Classification: Uncertain significance for Multiple endocrine neoplasia type 4. Last evaluated: 2024-06-09. Review status: criteria provided, single submitter. Criteria: Invitae Variant Classification Sherloc (09022015). Collection method: clinical testing. Allele origin: germline.
Comment: This sequence change replaces serine, which is neutral and polar, with leucine, which is neutral and non-polar, at codon 2 of the CDKN1B protein (p.Ser2Leu). This variant is not present in population databases (gnomAD no frequency). This variant has not been reported in the literature in individuals affected with CDKN1B-related conditions. ClinVar contains an entry for this variant (Variation ID: 1415563). An algorithm developed to predict the effect of missense changes on protein structure and function (PolyPhen-2) suggests that this variant is likely to be disruptive. In summary, the available evidence is currently insufficient to determine the role of this variant in disease. Therefore, it has been classified as a Variant of Uncertain Significance.

NM_004064.5(CDKN1B):c.5C>T (p.Ser2Leu)

Gene: CDKN1B (cyclin dependent kinase inhibitor 1B; plus strand). Cytogenetic location: 12p13.1.
Variant type: single nucleotide variant.
Coding change: c.5C>T on transcript NM_004064.5 (MANE Select); coding-DNA position 5, C replaced by T.
Protein change: p.Ser2Leu; replaces serine 2 with leucine.
Molecular consequence: missense variant.
Genome position (GRCh38, 1-based): chr12:12,717,844, C>T. VCF-style: chr12-12717844-C-T. GRCh37 (hg19) VCF-style: chr12-12870778-C-T.
Other names: short protein forms S2L.
Identifiers: ClinVar variation 1415563 (VCV001415563.9), dbSNP rs2136355327, ClinGen allele CA383967852.